The following is an entry in ClinVar:

ClinVar aggregate classification (germline): Uncertain significance. Review status: criteria provided, multiple submitters, no conflicts (2 of 4 stars). 2 submissions from 2 submitters: Uncertain significance (2). Last evaluated 2024-08-06.

Conditions:
RYR1-related disorder. Also called: RYR1-related disorders; RYR1-related condition. Identifiers: MedGen CN239331.
Malignant hyperthermia, susceptibility to, 1 (MHS1). Also called: Anesthesia related hyperthermia; Malignant hyperpyrexia; Fulminating hyperpyrexia; Pharmacogenic myopathy; Malignant hyperthermia suceptibility 1; RYR1-Related Malignant Hyperthermia Susceptibility. Identifiers: Orphanet 423, MedGen C2930980, MONDO:0007783, OMIM 145600.

gnomAD v4.1: 4 of 1,601,686 alleles (0.00025%); highest among the groups gnomAD compares: Non-Finnish European, 0.00025%; no homozygotes.

Submissions (2):

All of Us Research Program, National Institutes of Health
Classification: Uncertain significance for Malignant hyperthermia, susceptibility to, 1. Last evaluated: 2024-08-06. Review status: criteria provided, single submitter. Criteria: ACMG Guidelines, 2015. Collection method: clinical testing. Allele origin: germline. Inheritance: Autosomal dominant inheritance. Observed: 1 variant allele, 1 heterozygote.
Comment: This study involves interpretation of variants in research participants for the purpose of population health screening. Participant phenotype was not available at the time of variant classification. Additional details can be found in publication PMID: 35346344, PMCID: PMC8962531

Labcorp Genetics (formerly Invitae), Labcorp
Classification: Uncertain significance for RYR1-related disorder. Last evaluated: 2024-02-15. Review status: criteria provided, single submitter. Criteria: Invitae Variant Classification Sherloc (09022015). Collection method: clinical testing. Allele origin: germline.
Comment: This sequence change replaces alanine, which is neutral and non-polar, with serine, which is neutral and polar, at codon 2379 of the RYR1 protein (p.Ala2379Ser). This variant is present in population databases (no rsID available, gnomAD 0.007%). This variant has not been reported in the literature in individuals affected with RYR1-related conditions. Advanced modeling of protein sequence and biophysical properties (such as structural, functional, and spatial information, amino acid conservation, physicochemical variation, residue mobility, and thermodynamic stability) has been performed at Invitae for this missense variant, however the output from this modeling did not meet the statistical confidence thresholds required to predict the impact of this variant on RYR1 protein function. In summary, the available evidence is currently insufficient to determine the role of this variant in disease. Therefore, it has been classified as a Variant of Uncertain Significance.

NM_000540.3(RYR1):c.7135G>T (p.Ala2379Ser)

Gene: RYR1 (ryanodine receptor 1; plus strand). Cytogenetic location: 19q13.2.
Variant type: single nucleotide variant.
Coding change: c.7135G>T on transcript NM_000540.3 (MANE Select); coding-DNA position 7135, G replaced by T.
Protein change: p.Ala2379Ser; replaces alanine 2379 with serine.
Molecular consequence: missense variant.
Genome position (GRCh38, 1-based): chr19:38,499,742, G>T. VCF-style: chr19-38499742-G-T. GRCh37 (hg19) VCF-style: chr19-38990382-G-T.
Other names: c.7135G>T, p.Ala2379Ser (NM_001042723.2); short protein forms A2379S.
Identifiers: ClinVar variation 3385441 (VCV003385441.2).